The following is an entry in ClinVar:

NM_000051.4(ATM):c.4350G>A (p.Leu1450=)

Gene: ATM (ATM serine/threonine kinase; plus strand). Cytogenetic location: 11q22.3.
Variant type: single nucleotide variant.
Coding change: c.4350G>A on transcript NM_000051.4 (MANE Select); coding-DNA position 4350, G replaced by A.
Protein change: p.Leu1450=; no amino-acid change (leucine 1450 retained).
Molecular consequence: synonymous variant.
Genome position (GRCh38, 1-based): chr11:108,289,715, G>A. VCF-style: chr11-108289715-G-A. GRCh37 (hg19) VCF-style: chr11-108160442-G-A.
Other names: c.4350G>A, p.Leu1450= (NM_001351834.2).
Identifiers: ClinVar variation 628295 (VCV000628295.13), dbSNP rs1565456541, ClinGen allele CA476673953.

ClinVar aggregate classification (germline): Benign/Likely benign. Review status: criteria provided, multiple submitters, no conflicts (2 of 4 stars). 4 submissions from 4 submitters: Benign (1); Likely benign (3). Last evaluated 2025-06-29.

Conditions:
Hereditary cancer-predisposing syndrome. Also called: Tumor predisposition; Neoplastic Syndromes, Hereditary; Hereditary Cancer Syndrome; Hereditary neoplastic syndrome. Identifiers: Orphanet 140162, MedGen C0027672, MeSH D009386, MONDO:0015356.
Familial cancer of breast. Also called: BREAST CANCER, FAMILIAL; Hereditary breast cancer; hereditary breast carcinoma. Identifiers: Orphanet 227535, MedGen C0346153, MONDO:0016419, OMIM 114480. Disease mechanism: loss of function.
Ataxia-telangiectasia syndrome (AT). Also called: ATAXIA-TELANGIECTASIA, COMPLEMENTATION GROUP A; ATAXIA-TELANGIECTASIA, FRESNO VARIANT; LOUIS-BAR SYNDROME; Ataxia telangiectasia (A-T); Cerebello-oculocutaneous telangiectasia; Immunodeficiency with ataxia telangiectasia. Identifiers: Orphanet 100, MedGen C0004135, MONDO:0008840, OMIM 208900.

Submissions (4):

Labcorp Genetics (formerly Invitae), Labcorp
Classification: Likely benign for Ataxia-telangiectasia syndrome. Last evaluated: 2025-06-29. Review status: criteria provided, single submitter. Criteria: Invitae Variant Classification Sherloc (09022015). Collection method: clinical testing. Allele origin: germline.

Myriad Genetics, Inc.
Classification: Benign for Familial cancer of breast. Last evaluated: 2024-05-17. Review status: criteria provided, single submitter. Criteria: Myriad Autosomal Dominant, Autosomal Recessive and X-Linked Classification Criteria (2023). Collection method: clinical testing. Allele origin: unknown.
Comment: This variant is considered benign. This variant is a silent/synonymous amino acid change and it is not expected to impact splicing.

Ambry Genetics
Classification: Likely benign for Hereditary cancer-predisposing syndrome. Last evaluated: 2023-04-07. Review status: criteria provided, single submitter. Criteria: Ambry Variant Classification Scheme 2023. Collection method: clinical testing. Allele origin: germline.

Color Diagnostics, LLC DBA Color Health
Classification: Likely benign for Hereditary cancer-predisposing syndrome. Last evaluated: 2018-05-09. Review status: criteria provided, single submitter. Criteria: ACMG Guidelines, 2015. Collection method: clinical testing. Allele origin: germline.